The following is an entry in ClinVar:

NM_002691.4(POLD1):c.462del (p.Gly155fs)

Gene: POLD1 (DNA polymerase delta 1, catalytic subunit; plus strand). Cytogenetic location: 19q13.33.
Variant type: Deletion.
Coding change: c.462del on transcript NM_002691.4 (MANE Select); coding-DNA position 462, one base deleted (T; older notation c.462delT).
Protein change: p.Gly155fs; shifts the reading frame from glycine 155.
Molecular consequence: frameshift variant. On other transcripts: non-coding transcript variant (1).
Genome position (GRCh38, 1-based): chr19:50,401,923, T deleted. VCF-style (leftmost placement, unchanged base first): chr19-50401922-CT-C. GRCh37 (hg19) VCF-style: chr19-50905179-CT-C.
Other names: c.462del, p.Gly155fs (NM_001256849.1, NM_001308632.1); short protein forms G155fs.
Identifiers: ClinVar variation 2915603 (VCV002915603.3), dbSNP rs2513956927, ClinGen allele CA2739276935.

ClinVar aggregate classification (germline): Uncertain significance (1 of 4 stars; one submission).

Conditions:
POLD1-related polyposis and colorectal cancer syndrome (CRCS10). Also called: Colorectal cancer 10; COLORECTAL CANCER, SUSCEPTIBILITY TO, ON CHROMOSOME 19q; Colorectal cancer, susceptibility to, 10. Identifiers: Orphanet 220460, MedGen C2675481, MONDO:0012953, OMIM 612591.

Submission:

Labcorp Genetics (formerly Invitae), Labcorp
Classification: Uncertain significance for POLD1-related polyposis and colorectal cancer syndrome. Last evaluated: 2023-06-15. Review status: criteria provided, single submitter. Criteria: Invitae Variant Classification Sherloc (09022015). Collection method: clinical testing. Allele origin: germline.
Comment: This sequence change creates a premature translational stop signal (p.Gly155Valfs*14) in the POLD1 gene. Missense variants that disrupt the 3'-5' exonuclease (proof-reading) activity of the POLD1 protein are associated with PPAP (polymerase proofreading–associated polyposis) (PMID: 23263490, 23447401). However, loss-of-function variants that result in an absent or severely disrupted POLD1 protein, and missense variants outside the exonuclease domain, are unlikely to be associated with PPAP. This variant is not present in population databases (gnomAD no frequency). This variant has not been reported in the literature in individuals affected with POLD1-related conditions. In summary, the available evidence is currently insufficient to determine the role of this variant in disease. Therefore, it has been classified as a Variant of Uncertain Significance.

Literature cited by the submitters: PubMed 23263490; PubMed 23447401.